The following is an entry in ClinVar:

NM_002437.5(MPV17):c.106C>T (p.Gln36Ter)

Gene: MPV17 (mitochondrial inner membrane protein MPV17; minus strand). Cytogenetic location: 2p23.3.
Variant type: single nucleotide variant.
Coding change: c.106C>T on transcript NM_002437.5 (MANE Select); coding-DNA position 106, C replaced by T.
Protein change: p.Gln36Ter; replaces glutamine 36 with a stop codon.
Molecular consequence: nonsense.
Genome position (GRCh38, 1-based): chr2:27,313,074, G>A on the plus strand (C>T on the coding strand, the complement: MPV17 is on the minus strand). VCF-style: chr2-27313074-G-A. GRCh37 (hg19) VCF-style: chr2-27535941-G-A.
Other names: short protein forms Q36*.
Identifiers: ClinVar variation 242902 (VCV000242902.18), dbSNP rs754051090, ClinGen allele CA16044158.

ClinVar aggregate classification (germline): Uncertain significance. Review status: criteria provided, single submitter (1 of 4 stars). 2 submissions from 2 submitters: Uncertain significance (1). 1 of the submissions does not count toward it. Last evaluated 2025-03-24.

Conditions:
Charcot-Marie-Tooth disease, axonal, type 2EE. Also called: CHARCOT-MARIE-TOOTH NEUROPATHY, TYPE 2EE. Identifiers: MedGen C5193076, MONDO:0032728, OMIM 618400.
Mitochondrial DNA depletion syndrome 6 (hepatocerebral type). Also called: Navajo neurohepatopathy; Mitochondrial DNA depletion syndrome type 6; NAVAJO NEUROPATHY. Identifiers: Orphanet 255229, MedGen C1850406, MONDO:0009747, OMIM 256810.

gnomAD v4.1: 1 of 1,614,192 alleles (0.000062%); highest among the groups gnomAD compares: African/African-American, 0.0013%; no homozygotes.

Submissions (2):

Clinical Omics and Informatics (COIN) Unit, Neuroscience Institute, University Of Cape Town
Classification: Uncertain significance for Charcot-Marie-Tooth disease, axonal, type 2EE. Last evaluated: 2025-03-24. Review status: criteria provided, single submitter. Criteria: ACMG Guidelines, 2015. Collection method: research. Allele origin: germline. Inheritance: Autosomal recessive inheritance. Affected: yes. Observed: 4 variant alleles, 4 compound heterozygotes.
Comment: PM2_supporting: this variant is absent from gnomAD v4.0 (adequate coverage >20X confirmed) while it has a MAF of 0.007 and 0.015 in two independent control samples from South Africa (PMID 29318572 and PMID 30782936 respectively). PVS1 not assigned as loss of gene function is not an established pathogenic mechanism for MPV17-related CMT2EE; the majority of MPV17 variants associated with CMT2EE are homozygous missense variants while the single reported homozygous non-frameshift deletion, p.Asp126_Tyr136del, removes <10% of the MPV17 protein. Sequencing funded by the International Centre for Genomic Medicine in Neuromuscular Diseases (ICGNMD).

Inherited Metabolic Diseases Molecular Laboratory, University of Cape Town / National Health Laboratory Services
Classification: Pathogenic for Mitochondrial DNA depletion syndrome 6 (hepatocerebral type). Last evaluated: 2016-05-31. Review status: no assertion criteria provided. Collection method: clinical testing. Allele origin: inherited. Inheritance: Autosomal recessive inheritance. Affected: yes. Observed: 9 variant alleles, 9 homozygotes. Study: MPV17 related mitochondrial neurohepatopathy in South Africa. Not counted in ClinVar's aggregate classification.
Comment: Nonsense mutation in exon 3. Premature termination of protein product.

Literature cited by the submitters: PubMed 37712079 (cited by Clinical Omics and Informatics (COIN) Unit, Neuroscience Institute, University Of Cape Town); PubMed 29318572 (cited by Clinical Omics and Informatics (COIN) Unit, Neuroscience Institute, University Of Cape Town); PubMed 30782936 (cited by Clinical Omics and Informatics (COIN) Unit, Neuroscience Institute, University Of Cape Town).